The following is an entry in ClinVar:

ClinVar aggregate classification (germline): Likely pathogenic (0 of 4 stars; one submission).

Conditions:
SCAPER-related disorder. Also called: SCAPER-related condition.

gnomAD v4.1: 8 of 1,613,902 alleles (0.0005%); highest among the groups gnomAD compares: East Asian, 0.0022%; no homozygotes.

Submission:

PreventionGenetics, part of Exact Sciences
Classification: Likely pathogenic for SCAPER-related condition. Last evaluated: 2024-07-22. Review status: no assertion criteria provided. Collection method: clinical testing. Allele origin: germline.
Comment: The SCAPER c.306C>G variant is predicted to result in premature protein termination (p.Tyr102*). To our knowledge, this variant has not been reported in the literature or in a large population database, indicating this variant is rare. Nonsense variants in SCAPER are expected to be pathogenic. This variant is interpreted as likely pathogenic.

NM_020843.4(SCAPER):c.306C>G (p.Tyr102Ter)

Gene: SCAPER (S-phase cyclin A associated protein in the ER; minus strand). Cytogenetic location: 15q24.3.
Variant type: single nucleotide variant.
Coding change: c.306C>G on transcript NM_020843.4 (MANE Select); coding-DNA position 306, C replaced by G.
Protein change: p.Tyr102Ter; replaces tyrosine 102 with a stop codon.
Molecular consequence: nonsense. On other transcripts: 5 prime UTR variant (4), non-coding transcript variant (1).
Genome position (GRCh38, 1-based): chr15:76,841,821, G>C on the plus strand (C>G on the coding strand, the complement: SCAPER is on the minus strand). VCF-style: chr15-76841821-G-C. GRCh37 (hg19) VCF-style: chr15-77134162-G-C.
Other names: c.-592C>G (NM_001145923.2); c.306C>G, p.Tyr102Ter (NM_001353009.2); c.-97C>G (NM_001353010.2, NM_001353011.2, NM_001353012.2); short protein forms Y102*.
Identifiers: ClinVar variation 3358415 (VCV003358415.1).